The following is an entry in ClinVar:

ClinVar aggregate classification (germline): Uncertain significance. Review status: criteria provided, single submitter (1 of 4 stars). 2 submissions from 2 submitters: Uncertain significance (1). 1 of the submissions does not count toward it. Last evaluated 2025-04-16.

Conditions:
Usher syndrome type 1B (USH1B). Also called: Usher syndrome type IB. Identifiers: MedGen C1848638, MONDO:0700087.

Submissions (2):

Labcorp Genetics (formerly Invitae), Labcorp
Classification: Uncertain significance. Last evaluated: 2025-04-16. Review status: criteria provided, single submitter. Criteria: Invitae Variant Classification Sherloc (09022015). Collection method: clinical testing. Allele origin: germline.
Comment: This sequence change replaces arginine, which is basic and polar, with threonine, which is neutral and polar, at codon 2043 of the MYO7A protein (p.Arg2043Thr). This variant is not present in population databases (gnomAD no frequency). This variant has not been reported in the literature in individuals affected with MYO7A-related conditions. ClinVar contains an entry for this variant (Variation ID: 1019902). Invitae Evidence Modeling of protein sequence and biophysical properties (such as structural, functional, and spatial information, amino acid conservation, physicochemical variation, residue mobility, and thermodynamic stability) indicates that this missense variant is not expected to disrupt MYO7A protein function with a negative predictive value of 95%. In summary, the available evidence is currently insufficient to determine the role of this variant in disease. Therefore, it has been classified as a Variant of Uncertain Significance.

Natera, Inc.
Classification: Uncertain significance for Usher syndrome type 1B. Last evaluated: 2025-05-20. Review status: no assertion criteria provided. Collection method: clinical testing. Allele origin: germline. Not counted in ClinVar's aggregate classification.

NM_000260.4(MYO7A):c.6128G>C (p.Arg2043Thr)

Gene: MYO7A (myosin VIIA; plus strand). Cytogenetic location: 11q13.5.
Variant type: single nucleotide variant.
Coding change: c.6128G>C on transcript NM_000260.4 (MANE Select); coding-DNA position 6128, G replaced by C.
Protein change: p.Arg2043Thr; replaces arginine 2043 with threonine.
Molecular consequence: missense variant.
Genome position (GRCh38, 1-based): chr11:77,211,228, G>C. VCF-style: chr11-77211228-G-C. GRCh37 (hg19) VCF-style: chr11-76922273-G-C.
Other names: c.6014G>C, p.Arg2005Thr (NM_001127180.2); c.5981G>C, p.Arg1994Thr (NM_001369365.1); c.6128G>C (NM_000260.3); short protein forms R1994T, R2005T, R2043T.
Identifiers: ClinVar variation 1019902 (VCV001019902.10), dbSNP rs1957844591, ClinGen allele CA381935853.